The following is an entry in ClinVar:

NM_213720.3(CHCHD10):c.70C>T (p.Pro24Ser)

Gene: CHCHD10 (coiled-coil-helix-coiled-coil-helix domain containing 10; minus strand). Cytogenetic location: 22q11.23.
Variant type: single nucleotide variant.
Coding change: c.70C>T on transcript NM_213720.3 (MANE Select); coding-DNA position 70, C replaced by T.
Protein change: p.Pro24Ser; replaces proline 24 with serine.
Molecular consequence: missense variant.
Genome position (GRCh38, 1-based): chr22:23,767,565, G>A on the plus strand (C>T on the coding strand, the complement: CHCHD10 is on the minus strand). VCF-style: chr22-23767565-G-A. GRCh37 (hg19) VCF-style: chr22-24109752-G-A.
Other names: c.70C>T, p.Pro24Ser (NM_001301339.2); short protein forms P24S.
Identifiers: ClinVar variation 933489 (VCV000933489.10), dbSNP rs917149626, ClinGen allele CA322574077.

ClinVar aggregate classification (germline): Uncertain significance. Review status: criteria provided, multiple submitters, no conflicts (2 of 4 stars). 2 submissions from 2 submitters: Uncertain significance (2). Last evaluated 2025-02-27.

Conditions:
Lower motor neuron syndrome with late-adult onset (SMAJ). Also called: Late-Onset Spinal Motor Neuronopathy (SMAJ); Spinal muscular atrophy, Jokela type. Identifiers: Orphanet 276435, MedGen C3554398, MONDO:0014025, OMIM 615048.
Frontotemporal dementia and/or amyotrophic lateral sclerosis 2. Also called: FTDALS2. Identifiers: Orphanet 275872, MedGen C4014648, MONDO:0014395, OMIM 615911.
Autosomal dominant mitochondrial myopathy with exercise intolerance (IMMD). Also called: Myopathy, isolated mitochondrial, autosomal dominant. Identifiers: Orphanet 457050, MedGen C4015513, MONDO:0014532, OMIM 616209.

Allele frequency attached by ClinVar (database versions not stated): gnomAD exomes below 0.00001; TOPMed 0.00003.
gnomAD v4.1: 5 of 1,370,700 alleles (0.00036%); highest among the groups gnomAD compares: Non-Finnish European, 0.00038%; no homozygotes.

Submissions (2):

Labcorp Genetics (formerly Invitae), Labcorp
Classification: Uncertain significance for Lower motor neuron syndrome with late-adult onset; Frontotemporal dementia and/or amyotrophic lateral sclerosis 2; Autosomal dominant mitochondrial myopathy with exercise intolerance. Last evaluated: 2025-02-27. Review status: criteria provided, single submitter. Criteria: Invitae Variant Classification Sherloc (09022015). Collection method: clinical testing. Allele origin: germline.
Comment: This sequence change replaces proline, which is neutral and non-polar, with serine, which is neutral and polar, at codon 24 of the CHCHD10 protein (p.Pro24Ser). This variant is not present in population databases (gnomAD no frequency). This missense change has been observed in individual(s) with clinical features of CHCHD10-related conditions (internal data). ClinVar contains an entry for this variant (Variation ID: 933489). Experimental studies and prediction algorithms are not available or were not evaluated, and the functional significance of this variant is currently unknown. In summary, the available evidence is currently insufficient to determine the role of this variant in disease. Therefore, it has been classified as a Variant of Uncertain Significance.

Women's Health and Genetics/Laboratory Corporation of America, LabCorp
Classification: Uncertain significance. Last evaluated: 2024-07-12. Review status: criteria provided, single submitter. Criteria: LabCorp Variant Classification Summary - May 2015. Collection method: clinical testing. Allele origin: germline.
Comment: Variant summary: CHCHD10 c.70C>T (p.Pro24Ser) results in a non-conservative amino acid change in the encoded protein sequence. Four of five in-silico tools predict a damaging effect of the variant on protein function. The variant allele was found at a frequency of 3.6e-06 in 1370700 control chromosomes (gnomAD database v4). The available data on variant occurrences in the general population are insufficient to allow any conclusion about variant significance. To our knowledge, no occurrence of c.70C>T in individuals affected with CHCHD10-Related Disorders and no experimental evidence demonstrating its impact on protein function have been reported. ClinVar contains an entry for this variant (Variation ID: 933489). Based on the evidence outlined above, the variant was classified as uncertain significance.